The following is an entry in ClinVar:

ClinVar aggregate classification (germline): Uncertain significance (1 of 4 stars; one submission).

Submission:

Mayo Clinic Laboratories, Mayo Clinic
Classification: Uncertain significance. Last evaluated: 2024-03-29. Review status: criteria provided, single submitter. Criteria: ACMG Guidelines, 2015. Collection method: clinical testing. Allele origin: germline. Observed: 1 variant allele.
Comment: BP4, PM2

NM_018699.4(PRDM5):c.1855G>A (p.Val619Met)

Gene: PRDM5 (PR/SET domain 5; minus strand). Cytogenetic location: 4q27.
Variant type: single nucleotide variant.
Coding change: c.1855G>A on transcript NM_018699.4 (MANE Select); coding-DNA position 1855, G replaced by A.
Protein change: p.Val619Met; replaces valine 619 with methionine.
Molecular consequence: missense variant. On other transcripts: 3 prime UTR variant (1).
Genome position (GRCh38, 1-based): chr4:120,695,149, C>T on the plus strand (G>A on the coding strand, the complement: PRDM5 is on the minus strand). VCF-style: chr4-120695149-C-T. GRCh37 (hg19) VCF-style: chr4-121616304-C-T.
Other names: p.Val619Met; c.1762G>A, p.Val588Met (NM_001300823.2); c.*170G>A (NM_001300824.2); c.1888G>A, p.Val630Met (NM_001379104.1); c.1657G>A, p.Val553Met (NM_001379106.1); short protein forms V553M, V588M, V619M, V630M.
Identifiers: ClinVar variation 3379559 (VCV003379559.1).